The following is an entry in ClinVar:

ClinVar aggregate classification (germline): Uncertain significance. Review status: criteria provided, multiple submitters, no conflicts (2 of 4 stars). 2 submissions from 2 submitters: Uncertain significance (2). Last evaluated 2025-10-04.

Submissions (2):

Labcorp Genetics (formerly Invitae), Labcorp
Classification: Uncertain significance. Last evaluated: 2025-10-04. Review status: criteria provided, single submitter. Criteria: Invitae Variant Classification Sherloc (09022015). Collection method: clinical testing. Allele origin: germline.
Comment: This sequence change replaces methionine, which is neutral and non-polar, with threonine, which is neutral and polar, at codon 161 of the MATN3 protein (p.Met161Thr). This variant is present in population databases (no rsID available, gnomAD 0.007%). This variant has not been reported in the literature in individuals affected with MATN3-related conditions. Invitae Evidence Modeling of protein sequence and biophysical properties (such as structural, functional, and spatial information, amino acid conservation, physicochemical variation, residue mobility, and thermodynamic stability) indicates that this missense variant is expected to disrupt MATN3 protein function with a positive predictive value of 80%. In summary, the available evidence is currently insufficient to determine the role of this variant in disease. Therefore, it has been classified as a Variant of Uncertain Significance.

Blueprint Genetics
Classification: Uncertain significance. Last evaluated: 2020-09-11. Review status: criteria provided, single submitter. Criteria: ACMG Guidelines, 2015. Collection method: clinical testing. Allele origin: germline.

NM_002381.5(MATN3):c.482T>C (p.Met161Thr)

Gene: MATN3 (matrilin 3; minus strand). Cytogenetic location: 2p24.1.
Variant type: single nucleotide variant.
Coding change: c.482T>C on transcript NM_002381.5 (MANE Select); coding-DNA position 482, T replaced by C.
Protein change: p.Met161Thr; replaces methionine 161 with threonine.
Molecular consequence: missense variant.
Genome position (GRCh38, 1-based): chr2:20,006,052, A>G on the plus strand (T>C on the coding strand, the complement: MATN3 is on the minus strand). VCF-style: chr2-20006052-A-G. GRCh37 (hg19) VCF-style: chr2-20205813-A-G.
Other names: short protein forms M161T.
Identifiers: ClinVar variation 4697273 (VCV004697273.2).